The following is an entry in ClinVar:

NM_000256.3(MYBPC3):c.772G>C (p.Glu258Gln)

Gene: MYBPC3 (myosin binding protein C3; minus strand). Cytogenetic location: 11p11.2.
Variant type: single nucleotide variant.
Coding change: c.772G>C on transcript NM_000256.3 (MANE Select); coding-DNA position 772, G replaced by C.
Protein change: p.Glu258Gln; replaces glutamic acid 258 with glutamine.
Molecular consequence: missense variant.
Genome position (GRCh38, 1-based): chr11:47,348,424, C>G on the plus strand (G>C on the coding strand, the complement: MYBPC3 is on the minus strand). VCF-style: chr11-47348424-C-G. GRCh37 (hg19) VCF-style: chr11-47369975-C-G.
Other names: short protein forms E258Q.
Identifiers: ClinVar variation 2866523 (VCV002866523.5), dbSNP rs397516074, ClinGen allele CA380334166.

ClinVar aggregate classification (germline): Conflicting classifications of pathogenicity. Review status: criteria provided, conflicting classifications (1 of 4 stars). 3 submissions from 3 submitters: Likely pathogenic (1); Uncertain significance (2). Last evaluated 2026-05-15.

Conditions:
MYBPC3-related disorder. Also called: MYBPC3-related disorders; MYBPC3-related condition; MYBPC3-related disease.
Cardiovascular phenotype. Identifiers: MedGen CN230736.
Hypertrophic cardiomyopathy. Also called: HYPERTROPHIC MYOCARDIOPATHY. Identifiers: Orphanet 217569, MedGen C0007194, MeSH D002312, MONDO:0005045, HP:0001639.

Submissions (3):

Ambry Genetics
Classification: Uncertain significance for Cardiovascular phenotype. Last evaluated: 2026-05-15. Review status: criteria provided, single submitter. Criteria: Ambry Variant Classification Scheme 2023. Collection method: clinical testing. Allele origin: germline.
Comment: The p.E258Q variant (also known as c.772G>C), located in coding exon 6 of the MYBPC3 gene, results from a G to C substitution at nucleotide position 772. The amino acid change results in glutamic acid to glutamine at codon 258, an amino acid with highly similar properties. However, this change occurs in the last base pair of coding exon 6, which makes it likely to have some effect on normal mRNA splicing. This variant was reported in individual(s) with features consistent with hypertrophic cardiomyopathy (HCM) (Berge KE et al. Clin Genet, 2014 Oct;86:355-60; Micheu MM et al. Diagnostics (Basel), 2020 Dec;10:; Lacaze P et al. NPJ Genom Med, 2021 Jun;6:51). This nucleotide position is highly conserved in available vertebrate species. This amino acid position is highly conserved in available vertebrate species. In silico splice site analysis predicts that this alteration may weaken the native splice donor site. In addition, as a missense substitution this is predicted to be inconclusive by in silico analysis. Based on the available evidence, the clinical significance of this variant remains unclear.

Labcorp Genetics (formerly Invitae), Labcorp
Classification: Uncertain significance for Hypertrophic cardiomyopathy. Last evaluated: 2023-04-05. Review status: criteria provided, single submitter. Criteria: Invitae Variant Classification Sherloc (09022015). Collection method: clinical testing. Allele origin: germline.
Comment: This sequence change replaces glutamic acid, which is acidic and polar, with glutamine, which is neutral and polar, at codon 258 of the MYBPC3 protein (p.Glu258Gln). This variant also falls at the last nucleotide of exon 6, which is part of the consensus splice site for this exon. This variant is not present in population databases (gnomAD no frequency). This missense change has been observed in individual(s) with hypertrophic cardiomyopathy (PMID: 24111713, 32841044, 33673806). An algorithm developed to predict the effect of missense changes on protein structure and function (PolyPhen-2) suggests that this variant is likely to be disruptive. Variants that disrupt the consensus splice site are a relatively common cause of aberrant splicing (PMID: 17576681, 9536098). Algorithms developed to predict the effect of sequence changes on RNA splicing suggest that this variant may disrupt the consensus splice site. This variant disrupts the c.772G>A nucleotide in the MYBPC3 gene. Other variant(s) that disrupt this nucleotide have been determined to be pathogenic (PMID: 9562578, 12707239, 15114369, 15563892, 18533079, 19574547, 20031602, 22267749, 23233322, 25031304). This suggests that this nucleotide is clinically significant, and that variants that disrupt this position are likely to be disease-causing. In summary, the available evidence is currently insufficient to determine the role of this variant in disease. Therefore, it has been classified as a Variant of Uncertain Significance.

Blueprint Genetics
Classification: Likely pathogenic for MYBPC3-related disorders. Last evaluated: 2017-12-20. Review status: criteria provided, single submitter. Criteria: ACMG Guidelines, 2015. Collection method: clinical testing. Allele origin: germline. Affected: yes. Observed: 1 variant allele.

Literature cited by the submitters: PubMed 24111713 (cited by Ambry Genetics and Labcorp Genetics (formerly Invitae), Labcorp); PubMed 33297573 (cited by Ambry Genetics); PubMed 34135346 (cited by Ambry Genetics); PubMed 32841044 (cited by Labcorp Genetics (formerly Invitae), Labcorp); PubMed 33673806 (cited by Labcorp Genetics (formerly Invitae), Labcorp); PubMed 17576681 (cited by Labcorp Genetics (formerly Invitae), Labcorp); PubMed 9536098 (cited by Labcorp Genetics (formerly Invitae), Labcorp); PubMed 9562578 (cited by Labcorp Genetics (formerly Invitae), Labcorp); PubMed 12707239 (cited by Labcorp Genetics (formerly Invitae), Labcorp); PubMed 15114369 (cited by Labcorp Genetics (formerly Invitae), Labcorp); PubMed 15563892 (cited by Labcorp Genetics (formerly Invitae), Labcorp); PubMed 18533079 (cited by Labcorp Genetics (formerly Invitae), Labcorp); PubMed 19574547 (cited by Labcorp Genetics (formerly Invitae), Labcorp); PubMed 20031602 (cited by Labcorp Genetics (formerly Invitae), Labcorp); PubMed 22267749 (cited by Labcorp Genetics (formerly Invitae), Labcorp); PubMed 23233322 (cited by Labcorp Genetics (formerly Invitae), Labcorp); PubMed 25031304 (cited by Labcorp Genetics (formerly Invitae), Labcorp).